The following is an entry in ClinVar:

NM_006231.4(POLE):c.6268C>T (p.Leu2090Phe)

Gene: POLE (DNA polymerase epsilon, catalytic subunit; minus strand). Cytogenetic location: 12q24.33.
Variant type: single nucleotide variant.
Coding change: c.6268C>T on transcript NM_006231.4 (MANE Select); coding-DNA position 6268, C replaced by T.
Protein change: p.Leu2090Phe; replaces leucine 2090 with phenylalanine.
Molecular consequence: missense variant.
Genome position (GRCh38, 1-based): chr12:132,632,377, G>A on the plus strand (C>T on the coding strand, the complement: POLE is on the minus strand). VCF-style: chr12-132632377-G-A. GRCh37 (hg19) VCF-style: chr12-133208963-G-A.
Other names: short protein forms L2090F.
Identifiers: ClinVar variation 1752524 (VCV001752524.2), dbSNP rs2138460036, ClinGen allele CA387369461.

ClinVar aggregate classification (germline): Uncertain significance (1 of 4 stars; one submission).

Conditions:
Hereditary cancer-predisposing syndrome. Also called: Hereditary Cancer Syndrome; Hereditary neoplastic syndrome; Neoplastic Syndromes, Hereditary; Tumor predisposition. Identifiers: Orphanet 140162, MedGen C0027672, MeSH D009386, MONDO:0015356.

Allele frequency attached by ClinVar (database versions not stated): gnomAD exomes 0.00001.
gnomAD v4.1: 11 of 1,614,100 alleles (0.00068%); highest among the groups gnomAD compares: Non-Finnish European, 0.00085%; no homozygotes.

Submission:

Ambry Genetics
Classification: Uncertain significance for Hereditary cancer-predisposing syndrome. Last evaluated: 2022-05-01. Review status: criteria provided, single submitter. Criteria: Ambry Variant Classification Scheme 2023. Collection method: clinical testing. Allele origin: germline.
Comment: The p.L2090F variant (also known as c.6268C>T), located in coding exon 45 of the POLE gene, results from a C to T substitution at nucleotide position 6268. The leucine at codon 2090 is replaced by phenylalanine, an amino acid with highly similar properties. This amino acid position is conserved. In addition, this alteration is predicted to be tolerated by in silico analysis. Since supporting evidence is limited at this time, the clinical significance of this alteration remains unclear.